The following is an entry in ClinVar:

ClinVar aggregate classification (germline): Uncertain significance (1 of 4 stars; one submission).

gnomAD v4.1: 4 of 1,197,549 alleles (0.00033%); highest among the groups gnomAD compares: African/African-American, 0.007%; no homozygotes.

Submission:

Labcorp Genetics (formerly Invitae), Labcorp
Classification: Uncertain significance. Last evaluated: 2025-02-13. Review status: criteria provided, single submitter. Criteria: Invitae Variant Classification Sherloc (09022015). Collection method: clinical testing. Allele origin: germline.
Comment: This sequence change falls in intron 2 of the TSR2 gene. It does not directly change the encoded amino acid sequence of the TSR2 protein. This variant is present in population databases (rs760930576, gnomAD 0.03%). This variant has not been reported in the literature in individuals affected with TSR2-related conditions. Algorithms developed to predict the effect of sequence changes on RNA splicing suggest that this variant may create or strengthen a splice site. In summary, the available evidence is currently insufficient to determine the role of this variant in disease. Therefore, it has been classified as a Variant of Uncertain Significance.

NM_058163.3(TSR2):c.173-12T>A

Gene: TSR2 (TSR2 ribosome maturation factor; plus strand). Cytogenetic location: Xp11.22.
Variant type: single nucleotide variant.
Coding change: c.173-12T>A on transcript NM_058163.3 (MANE Select); 12 bases into the intron before coding-DNA position 173, T replaced by A.
Molecular consequence: intron variant.
Genome position (GRCh38, 1-based): chrX:54,443,388, T>A. VCF-style: chrX-54443388-T-A. GRCh37 (hg19) VCF-style: chrX-54469821-T-A.
Other names: c.-113-12T>A (NM_001346791.2, NM_001346792.2); c.-104-12T>A (NM_001346790.2); c.173-12T>A (NM_001346789.2).
Identifiers: ClinVar variation 4764881 (VCV004764881.1).